The following is an entry in ClinVar:

ClinVar aggregate classification (germline): Pathogenic (1 of 4 stars; one submission).

Conditions:
Duchenne or Becker muscular dystrophy.

Submission:

Cambridge Genomics Laboratory, East Genomic Laboratory Hub, NHS Genomic Medicine Service
Classification: Pathogenic for Duchenne or Becker muscular dystrophy. Last evaluated: 2026-07-30. Review status: criteria provided, single submitter. Criteria: ACGS Best Practice Guidelines for Variant Classification in Rare Disease 2020. Collection method: clinical testing. Allele origin: germline. Affected: yes.
Comment: PVS1,PM2

NM_004006.3(DMD):c.10077T>A (p.Tyr3359Ter)

Gene: DMD (dystrophin; minus strand). Cytogenetic location: Xp21.2.
Variant type: single nucleotide variant.
Coding change: c.10077T>A on transcript NM_004006.3 (MANE Select); coding-DNA position 10077, T replaced by A.
Protein change: p.Tyr3359Ter; replaces tyrosine 3359 with a stop codon.
Molecular consequence: nonsense.
Genome position (GRCh38, 1-based): chrX:31,180,379, A>T on the plus strand (T>A on the coding strand, the complement: DMD is on the minus strand). VCF-style: chrX-31180379-A-T. GRCh37 (hg19) VCF-style: chrX-31198496-A-T.
Other names: c.10053T>A, p.Tyr3351Ter (NM_000109.4); c.10065T>A, p.Tyr3355Ter (NM_004009.3); c.9708T>A, p.Tyr3236Ter (NM_004010.3); c.6054T>A, p.Tyr2018Ter (NM_004011.4); c.6045T>A, p.Tyr2015Ter (NM_004012.4); c.2697T>A, p.Tyr899Ter (NM_004013.3, NM_004020.4, NM_004021.3 and 2 more transcripts); c.1890T>A, p.Tyr630Ter (NM_004014.3); c.873T>A, p.Tyr291Ter (NM_004015.3, NM_004016.3, NM_004017.3 and 2 more transcripts); short protein forms Y2015*, Y2018*, Y291*, Y3236*, Y3351*, Y3355*, Y3359*, Y630*.
Identifiers: ClinVar variation 4884302 (VCV004884302.1), dbSNP rs1181271457.